The following is an entry in ClinVar:

ClinVar aggregate classification (germline): Uncertain significance. Review status: criteria provided, multiple submitters, no conflicts (2 of 4 stars). 2 submissions from 2 submitters: Uncertain significance (2). Last evaluated 2022-08-05.

Conditions:
Retinitis pigmentosa 80 (RP80). Identifiers: MedGen C4540439, MONDO:0054708, OMIM 617781.
Saldino-Mainzer syndrome (SRTD9). Also called: Renal dysplasia, retinal pigmentary dystrophy, cerebellar ataxia and skeletal dysplasia; CONORENAL SYNDROME; SHORT-RIB THORACIC DYSPLASIA 9 WITHOUT POLYDACTYLY; short-rib thoracic dysplasia 9 with or without polydactyly. Identifiers: Orphanet 140969, MedGen C1849437, MONDO:0009964, OMIM 266920.

Allele frequency attached by ClinVar (database versions not stated): gnomAD exomes below 0.00001 and 0.00001; ExAC 0.00002; gnomAD 0.00004; TOPMed 0.00006; ESP Exome Variant Server 0.00008.

Submissions (2):

Labcorp Genetics (formerly Invitae), Labcorp
Classification: Uncertain significance for Saldino-Mainzer syndrome. Last evaluated: 2022-08-05. Review status: criteria provided, single submitter. Criteria: Invitae Variant Classification Sherloc (09022015). Collection method: clinical testing. Allele origin: germline.
Comment: This variant is present in population databases (rs753109181, gnomAD 0.01%). This variant has not been reported in the literature in individuals affected with IFT140-related conditions. ClinVar contains an entry for this variant (Variation ID: 1449015). Experimental studies and prediction algorithms are not available or were not evaluated, and the functional significance of this variant is currently unknown. In summary, the available evidence is currently insufficient to determine the role of this variant in disease. Therefore, it has been classified as a Variant of Uncertain Significance. This sequence change results in a frameshift in the IFT140 gene (p.Asp1460Argfs*60). While this is not anticipated to result in nonsense mediated decay, it is expected to disrupt the last 3 amino acid(s) of the IFT140 protein and extend the protein by 56 additional amino acid residues.

Fulgent Genetics
Classification: Uncertain significance for Saldino-Mainzer syndrome; Retinitis pigmentosa 80. Last evaluated: 2022-02-11. Review status: criteria provided, single submitter. Criteria: ACMG Guidelines, 2015. Collection method: clinical testing. Allele origin: unknown.

NM_014714.4(IFT140):c.4377_4378insA (p.Asp1460fs)

Gene: IFT140 (intraflagellar transport 140; minus strand). Cytogenetic location: 16p13.3.
Variant type: Insertion.
Coding change: c.4377_4378insA on transcript NM_014714.4 (MANE Select); coding-DNA positions 4377 to 4378, A inserted.
Protein change: p.Asp1460fs; shifts the reading frame from aspartic acid 1460.
Molecular consequence: frameshift variant.
Genome position: GRCh38 VCF-style: chr16-1510955-C-CT. GRCh37 (hg19) VCF-style: chr16-1560956-C-CT.
Other names: short protein forms D1460fs.
Identifiers: ClinVar variation 1449015 (VCV001449015.8), dbSNP rs753109181, ClinGen allele CA7812768.